The following is an entry in ClinVar:

ClinVar aggregate classification (germline): Uncertain significance. Review status: criteria provided, multiple submitters, no conflicts (2 of 4 stars). 2 submissions from 2 submitters: Uncertain significance (2). Last evaluated 2025-11-20.

Conditions:
Inborn genetic diseases. Identifiers: MedGen C0950123, MeSH D030342.

Allele frequency attached by ClinVar (database versions not stated): gnomAD 0.00001; gnomAD exomes 0.00002; TOPMed 0.00002.
gnomAD v4.1: 28 of 1,614,138 alleles (0.0017%); highest among the groups gnomAD compares: Non-Finnish European, 0.0022%; no homozygotes.

Submissions (2):

Ambry Genetics
Classification: Uncertain significance for Inborn genetic diseases. Last evaluated: 2025-11-20. Review status: criteria provided, single submitter. Criteria: Ambry Variant Classification Scheme 2023. Collection method: clinical testing. Allele origin: germline.

Labcorp Genetics (formerly Invitae), Labcorp
Classification: Uncertain significance. Last evaluated: 2025-10-07. Review status: criteria provided, single submitter. Criteria: Invitae Variant Classification Sherloc (09022015). Collection method: clinical testing. Allele origin: germline.
Comment: This sequence change replaces arginine, which is basic and polar, with glycine, which is neutral and non-polar, at codon 424 of the RIPK1 protein (p.Arg424Gly). This variant is present in population databases (rs201429839, gnomAD 0.002%). This variant has not been reported in the literature in individuals affected with RIPK1-related conditions. ClinVar contains an entry for this variant (Variation ID: 1939852). An algorithm developed to predict the effect of missense changes on protein structure and function outputs the following: PolyPhen-2: "Benign". The glycine amino acid residue is found in multiple mammalian species, which suggests that this missense change does not adversely affect protein function. In summary, the available evidence is currently insufficient to determine the role of this variant in disease. Therefore, it has been classified as a Variant of Uncertain Significance.

NM_001354930.2(RIPK1):c.1270A>G (p.Arg424Gly)

Gene: RIPK1 (receptor interacting serine/threonine kinase 1; plus strand). Cytogenetic location: 6p25.2.
Variant type: single nucleotide variant.
Coding change: c.1270A>G on transcript NM_001354930.2 (MANE Select); coding-DNA position 1270, A replaced by G.
Protein change: p.Arg424Gly; replaces arginine 424 with glycine.
Molecular consequence: missense variant.
Genome position (GRCh38, 1-based): chr6:3,105,745, A>G. VCF-style: chr6-3105745-A-G. GRCh37 (hg19) VCF-style: chr6-3105979-A-G.
Other names: c.1270A>G (NM_003804.3); c.781A>G, p.Arg261Gly (NM_001317061.3, NM_001354932.2, NM_001354933.2 and 1 more transcripts); c.1132A>G, p.Arg378Gly (NM_001354931.2); c.1270A>G, p.Arg424Gly (NM_003804.6); short protein forms R261G, R378G, R424G.
Identifiers: ClinVar variation 1939852 (VCV001939852.6), dbSNP rs201429839, ClinGen allele CA133455380.